The following is an entry in ClinVar:

ClinVar aggregate classification (germline): Pathogenic (1 of 4 stars; one submission).

Submission:

Labcorp Genetics (formerly Invitae), Labcorp
Classification: Pathogenic. Last evaluated: 2023-07-21. Review status: criteria provided, single submitter. Criteria: Invitae Variant Classification Sherloc (09022015). Collection method: clinical testing. Allele origin: germline.
Comment: For these reasons, this variant has been classified as Pathogenic. ClinVar contains an entry for this variant (Variation ID: 1444078). This variant has not been reported in the literature in individuals affected with CSF1R-related conditions. This variant is not present in population databases (gnomAD no frequency). This sequence change creates a premature translational stop signal (p.Gln426Serfs*4) in the CSF1R gene. It is expected to result in an absent or disrupted protein product. Loss-of-function variants in CSF1R are known to be pathogenic (PMID: 22046273, 24120500, 24145216, 24336230, 30982608, 30982609).

Literature cited by the submitters: PubMed 22046273; PubMed 24120500; PubMed 24145216; PubMed 24336230; PubMed 30982608; PubMed 30982609.

NM_001288705.3(CSF1R):c.1276del (p.Gln426fs)

Gene: CSF1R (colony stimulating factor 1 receptor; minus strand). Cytogenetic location: 5q32.
Variant type: Deletion.
Coding change: c.1276del on transcript NM_001288705.3 (MANE Select); coding-DNA position 1276, one base deleted (C; older notation c.1276delC).
Protein change: p.Gln426fs; shifts the reading frame from glutamine 426.
Molecular consequence: frameshift variant. On other transcripts: non-coding transcript variant (2).
Genome position (GRCh38, 1-based): chr5:150,070,225, G deleted on the plus strand (C on the coding strand, the reverse complement: CSF1R is on the minus strand); the first of 5 consecutive G bases (chr5:150,070,225-150,070,229); deleting any one gives the same sequence. VCF-style (leftmost placement, unchanged base first): chr5-150070224-TG-T. GRCh37 (hg19) VCF-style: chr5-149449787-TG-T.
Other names: c.1276del, p.Gln426fs (NM_001349736.2, NM_001375320.1, NM_005211.4); c.832del, p.Gln278fs (NM_001375321.1); short protein forms Q278fs, Q426fs.
Identifiers: ClinVar variation 1444078 (VCV001444078.6), dbSNP rs2113809084, ClinGen allele CA2573139286.
Genomic context (GRCh38, chr5:150,070,224, plus strand): 5'-TGAGTGGAGCCCACTTACCTATCAGTGTGGCCACTGCACTGCAGCCATGTCACGTTGGGC[TG>T]GGGGTACCCAGAGGCAGCACACAAAAGGGTGCCAGAGCCGTTGATGAATGTCCATATGAC-3'